The following is an entry in ClinVar:

ClinVar aggregate classification (germline): Uncertain significance (1 of 4 stars; one submission).

Conditions:
Hereditary cancer-predisposing syndrome. Also called: Neoplastic Syndromes, Hereditary; Tumor predisposition; Hereditary Cancer Syndrome; Hereditary neoplastic syndrome. Identifiers: Orphanet 140162, MedGen C0027672, MeSH D009386, MONDO:0015356.

Submission:

Ambry Genetics
Classification: Uncertain significance for Hereditary cancer-predisposing syndrome. Last evaluated: 2021-11-06. Review status: criteria provided, single submitter. Criteria: Ambry Variant Classification Scheme 2023. Collection method: clinical testing. Allele origin: germline.
Comment: The p.L699F variant (also known as c.2095C>T), located in coding exon 14 of the NBN gene, results from a C to T substitution at nucleotide position 2095. The leucine at codon 699 is replaced by phenylalanine, an amino acid with highly similar properties. This amino acid position is conserved. In addition, this alteration is predicted to be tolerated by in silico analysis. Since supporting evidence is limited at this time, the clinical significance of this alteration remains unclear.

NM_002485.5(NBN):c.2095C>T (p.Leu699Phe)

Gene: NBN (nibrin; minus strand). Cytogenetic location: 8q21.3.
Variant type: single nucleotide variant.
Coding change: c.2095C>T on transcript NM_002485.5 (MANE Select); coding-DNA position 2095, C replaced by T.
Protein change: p.Leu699Phe; replaces leucine 699 with phenylalanine.
Molecular consequence: missense variant.
Genome position (GRCh38, 1-based): chr8:89,943,342, G>A on the plus strand (C>T on the coding strand, the complement: NBN is on the minus strand). VCF-style: chr8-89943342-G-A. GRCh37 (hg19) VCF-style: chr8-90955570-G-A.
Other names: c.1849C>T, p.Leu617Phe (NM_001024688.3); short protein forms L617F, L699F.
Identifiers: ClinVar variation 1785786 (VCV001785786.2), dbSNP rs2488191759, ClinGen allele CA371675763.